The following is an entry in ClinVar:

NM_000297.4(PKD2):c.1194_1195del (p.Glu400fs)

Gene: PKD2 (polycystin 2, transient receptor potential cation channel; plus strand). Cytogenetic location: 4q22.1.
Variant type: Deletion.
Coding change: c.1194_1195del on transcript NM_000297.4 (MANE Select); coding-DNA positions 1194 to 1195, 2 bases deleted (AA; older notation c.1194_1195delAA).
Protein change: p.Glu400fs; shifts the reading frame from glutamic acid 400.
Molecular consequence: frameshift variant. On other transcripts: non-coding transcript variant (1).
Genome position (GRCh38, 1-based): chr4:88,043,332-88,043,333, AA deleted. VCF-style (leftmost placement, unchanged base first): chr4-88043331-CAA-C. GRCh37 (hg19) VCF-style: chr4-88964483-CAA-C.
Other names: short protein forms E400fs.
Identifiers: ClinVar variation 994722 (VCV000994722.1), dbSNP rs1727649413, ClinGen allele CA1139658175.

ClinVar aggregate classification (germline): Pathogenic (1 of 4 stars; one submission).

Submission:

Athena Diagnostics
Classification: Pathogenic. Last evaluated: 2019-10-18. Review status: criteria provided, single submitter. Criteria: Athena Diagnostics Criteria. Collection method: clinical testing. Allele origin: unknown.
Comment: The variant results in a shift of the reading frame, and is therefore predicted to result in the loss of a functional protein. Found in at least one patient with expected phenotype for this gene, and not found in general population data.

Literature cited by the submitters: PubMed 10760080; PubMed 9326320; PubMed 12707387.